The following is an entry in ClinVar:

NM_001044385.3(TMEM237):c.357T>C (p.Ala119=)

Gene: TMEM237 (transmembrane protein 237; minus strand). Cytogenetic location: 2q33.1.
Variant type: single nucleotide variant.
Coding change: c.357T>C on transcript NM_001044385.3 (MANE Select); coding-DNA position 357, T replaced by C.
Protein change: p.Ala119=; no amino-acid change (alanine 119 retained).
Molecular consequence: synonymous variant.
Genome position (GRCh38, 1-based): chr2:201,633,349, A>G on the plus strand (T>C on the coding strand, the complement: TMEM237 is on the minus strand). VCF-style: chr2-201633349-A-G. GRCh37 (hg19) VCF-style: chr2-202498072-A-G.
Other names: c.333T>C, p.Ala111= (NM_152388.4).
Identifiers: ClinVar variation 3390390 (VCV003390390.1).

ClinVar aggregate classification (germline): Uncertain significance (1 of 4 stars; one submission).

Submission:

GeneDx
Classification: Uncertain significance. Last evaluated: 2024-06-12. Review status: criteria provided, single submitter. Criteria: GeneDx Variant Classification Process June 2021. Collection method: clinical testing. Allele origin: germline. Affected: yes.
Comment: Not observed at significant frequency in large population cohorts (gnomAD); In silico analysis indicates that this variant does not alter splicing; Has not been previously published as pathogenic or benign to our knowledge